The following is an entry in ClinVar:

NM_004239.4(TRIP11):c.*610A>C

Gene: TRIP11 (thyroid hormone receptor interactor 11; minus strand). Cytogenetic location: 14q32.12.
Variant type: single nucleotide variant.
Coding change: c.*610A>C on transcript NM_004239.4 (MANE Select); 610 bases downstream of the stop codon, A replaced by C.
Molecular consequence: 3 prime UTR variant.
Genome position (GRCh38, 1-based): chr14:91,969,063, T>G on the plus strand (A>C on the coding strand, the complement: TRIP11 is on the minus strand). VCF-style: chr14-91969063-T-G. GRCh37 (hg19) VCF-style: chr14-92435407-T-G.
Other names: c.*610A>C (NM_001321851.1).
Identifiers: ClinVar variation 314908 (VCV000314908.6), dbSNP rs111671120, ClinGen allele CA10645315.

ClinVar aggregate classification (germline): Benign. Review status: criteria provided, multiple submitters, no conflicts (2 of 4 stars). 2 submissions from 2 submitters: Benign (2). Last evaluated 2018-01-13.

Conditions:
Achondrogenesis, type IA (ACG1A). Identifiers: Orphanet 932, Orphanet 93299, MedGen C0265273, MONDO:0008701, OMIM 200600.

Allele frequency attached by ClinVar (database versions not stated): gnomAD 0.01218; TOPMed 0.01328; 1000 Genomes Project 30x 0.01671; 1000 Genomes Project 0.01737.
gnomAD v4.1: 2,078 of 222,812 alleles (0.93%); highest among the groups gnomAD compares: African/African-American, 4.1%; 49 homozygotes.

Submissions (2):

Illumina Laboratory Services, Illumina
Classification: Benign for Achondrogenesis, type IA. Last evaluated: 2018-01-13. Review status: criteria provided, single submitter. Criteria: ICSL Variant Classification Criteria 13 December 2019. Collection method: clinical testing. Allele origin: germline.
Comment: This variant was observed in the ICSL laboratory as part of a predisposition screen in an ostensibly healthy population. It had not been previously curated by ICSL or reported in the Human Gene Mutation Database (HGMD: prior to June 1st, 2018), and was therefore a candidate for classification through an automated scoring system. Utilizing variant allele frequency, disease prevalence and penetrance estimates, and inheritance mode, an automated score was calculated to assess if this variant is too frequent to cause the disease. Based on the score and internal cut-off values, a variant classified as benign is not then subjected to further curation. The score for this variant resulted in a classification of benign for this disease.

Breakthrough Genomics
Classification: Benign. Review status: criteria provided, single submitter. Criteria: ACMG Guidelines, 2015. Collection method: not provided. Allele origin: germline. Inheritance: Autosomal recessive inheritance. Affected: yes.